The following is an entry in ClinVar:

ClinVar aggregate classification (germline): Uncertain significance. Review status: criteria provided, multiple submitters, no conflicts (2 of 4 stars). 2 submissions from 2 submitters: Uncertain significance (2). Last evaluated 2024-01-05.

Conditions:
Hemolytic uremic syndrome, atypical, susceptibility to, 1. Also called: AHUS, SUSCEPTIBILITY TO, 1. Identifiers: Orphanet 2134, Orphanet 90038, MedGen C2749604, MONDO:0009335, OMIM 235400. Disease mechanism: Other.
Factor H deficiency (CFHD). Also called: COMPLEMENT FACTOR H DEFICIENCY; CFH DEFICIENCY. Identifiers: Orphanet 200421, MedGen C0398777, MONDO:0012350, OMIM 609814.
Age related macular degeneration 4. Identifiers: MedGen C1853147, MONDO:0012540, OMIM 610698.
Basal laminar drusen. Also called: DRUSEN OF BRUCH MEMBRANE; DRUSEN, CUTICULAR; DRUSEN, EARLY ADULT-ONSET, GROUPED. Identifiers: Orphanet 75376, MedGen C0730295, MONDO:0007472, OMIM 126700.

Allele frequency attached by ClinVar (database versions not stated): gnomAD 0.00001; gnomAD exomes 0.00001; TOPMed 0.00001.
gnomAD v4.1: 7 of 1,555,036 alleles (0.00045%); highest among the groups gnomAD compares: Admixed American, 0.012%; no homozygotes.

Submissions (2):

Fulgent Genetics
Classification: Uncertain significance for Basal laminar drusen; Hemolytic uremic syndrome, atypical, susceptibility to, 1; Factor H deficiency; Age related macular degeneration 4. Last evaluated: 2024-01-05. Review status: criteria provided, single submitter. Criteria: ACMG Guidelines, 2015. Collection method: clinical testing. Allele origin: germline.

Mayo Clinic Laboratories, Mayo Clinic
Classification: Uncertain significance. Last evaluated: 2022-12-20. Review status: criteria provided, single submitter. Criteria: ACMG Guidelines, 2015. Collection method: clinical testing. Allele origin: germline. Observed: 1 variant allele.
Comment: BP4

NM_000186.4(CFH):c.2260A>G (p.Lys754Glu)

Gene: CFH (complement factor H; plus strand). Cytogenetic location: 1q31.3.
Variant type: single nucleotide variant.
Coding change: c.2260A>G on transcript NM_000186.4 (MANE Select); coding-DNA position 2260, A replaced by G.
Protein change: p.Lys754Glu; replaces lysine 754 with glutamic acid.
Molecular consequence: missense variant.
Genome position (GRCh38, 1-based): chr1:196,728,369, A>G. VCF-style: chr1-196728369-A-G. GRCh37 (hg19) VCF-style: chr1-196697499-A-G.
Other names: p.Lys754Glu; short protein forms K754E.
Identifiers: ClinVar variation 2682686 (VCV002682686.2), dbSNP rs1390504982, ClinGen allele CA343990378.